The following is an entry in ClinVar:

ClinVar aggregate classification (germline): Uncertain significance (1 of 4 stars; one submission).

Submission:

Labcorp Genetics (formerly Invitae), Labcorp
Classification: Uncertain significance. Last evaluated: 2022-10-24. Review status: criteria provided, single submitter. Criteria: Invitae Variant Classification Sherloc (09022015). Collection method: clinical testing. Allele origin: germline.
Comment: This sequence change replaces valine, which is neutral and non-polar, with phenylalanine, which is neutral and non-polar, at codon 257 of the LPIN1 protein (p.Val257Phe). This variant is not present in population databases (gnomAD no frequency). This variant has not been reported in the literature in individuals affected with LPIN1-related conditions. Advanced modeling of protein sequence and biophysical properties (such as structural, functional, and spatial information, amino acid conservation, physicochemical variation, residue mobility, and thermodynamic stability) performed at Invitae indicates that this missense variant is not expected to disrupt LPIN1 protein function. In summary, the available evidence is currently insufficient to determine the role of this variant in disease. Therefore, it has been classified as a Variant of Uncertain Significance.

NM_001349206.2(LPIN1):c.877G>T (p.Val293Phe)

Genes: LPIN1 (lipin 1; plus strand), LOC126806147 (CDK7 strongly-dependent group 2 enhancer GRCh37_chr2:11919054-11920253; plus strand). Cytogenetic location: 2p25.1.
Variant type: single nucleotide variant.
Coding change: c.877G>T on transcript NM_001349206.2 (MANE Select); coding-DNA position 877, G replaced by T.
Protein change: p.Val293Phe; replaces valine 293 with phenylalanine.
Molecular consequence: missense variant. On other transcripts: non-coding transcript variant (1).
Genome position (GRCh38, 1-based): chr2:11,779,565, G>T. VCF-style: chr2-11779565-G-T. GRCh37 (hg19) VCF-style: chr2-11919691-G-T.
Other names: c.787G>T, p.Val263Phe (NM_001261427.3); c.1024G>T, p.Val342Phe (NM_001261428.3); c.769G>T, p.Val257Phe (NM_001349199.2, NM_001349200.2, NM_001349201.2 and 1 more transcripts); c.874G>T, p.Val292Phe (NM_001349202.2, NM_001349203.2); c.877G>T, p.Val293Phe (NM_001349204.2, NM_001349205.2); c.967G>T, p.Val323Phe (NM_001349207.2); c.916G>T, p.Val306Phe (NM_001349208.2); short protein forms V342F, V293F, V292F, V257F, V263F, V306F, V323F.
Identifiers: ClinVar variation 1948086 (VCV001948086.2), dbSNP rs2546118110, ClinGen allele CA345855266.